The following is an entry in ClinVar:

NM_001378457.1(DMXL2):c.2620_2621del (p.Glu874fs)

Gene: DMXL2 (Dmx like 2; minus strand). Cytogenetic location: 15q21.2.
Variant type: Deletion.
Coding change: c.2620_2621del on transcript NM_001378457.1 (MANE Select); coding-DNA positions 2620 to 2621, 2 bases deleted (GA; older notation c.2620_2621delGA).
Protein change: p.Glu874fs; shifts the reading frame from glutamic acid 874.
Molecular consequence: frameshift variant. On other transcripts: non-coding transcript variant (2).
Genome position (GRCh38, 1-based): chr15:51,514,465-51,514,466, TC deleted on the plus strand (GA on the coding strand, the reverse complement: DMXL2 is on the minus strand); deleting any 2 consecutive bases within chr15:51,514,465-51,514,467 gives the same sequence; the c. name uses the placement nearest the transcript's 3' end. VCF-style (leftmost placement, unchanged base first): chr15-51514464-TTC-T. GRCh37 (hg19) VCF-style: chr15-51806661-TTC-T.
Other names: c.2620_2621del, p.Glu874fs (NM_001174116.3, NM_001174117.3, NM_001378458.1 and 6 more transcripts); c.2620_2621del (NM_001174116.1); c.2380_2381del, p.Glu794fs (NM_001378464.1); short protein forms E794fs, E874fs.
Identifiers: ClinVar variation 1916162 (VCV001916162.7), dbSNP rs762237782, ClinGen allele CA7562321.
Genomic context (GRCh38, chr15:51,514,464, plus strand): 5'-ATGAAGGTAAACAAATGCAGACTATTTTTTTAAAGTACCTTGTGATGGCTGAAAAAATAT[TTC>T]TGTTTCCTTTTTCTCCATATCTTCCTTATGTGGTTTATATCCTATAATGAAGTCTTCTTG-3'

ClinVar aggregate classification (germline): Pathogenic. Review status: criteria provided, multiple submitters, no conflicts (2 of 4 stars). 2 submissions from 2 submitters: Pathogenic (2). Last evaluated 2026-05-29.

Submissions (2):

GeneDx
Classification: Pathogenic. Last evaluated: 2026-05-29. Review status: criteria provided, single submitter. Criteria: GeneDx Variant Classification Process June 2021. Collection method: clinical testing. Allele origin: germline.
Comment: Frameshift variant predicted to result in protein truncation or nonsense mediated decay in a gene for which loss-of-function is a known mechanism of disease; Not observed at significant frequency in large population cohorts (gnomAD); Has not been previously published as pathogenic or benign to our knowledge

Labcorp Genetics (formerly Invitae), Labcorp
Classification: Pathogenic. Last evaluated: 2023-12-22. Review status: criteria provided, single submitter. Criteria: Invitae Variant Classification Sherloc (09022015). Collection method: clinical testing. Allele origin: germline.
Comment: This sequence change creates a premature translational stop signal (p.Glu874Asnfs*24) in the DMXL2 gene. It is expected to result in an absent or disrupted protein product. Loss-of-function variants in DMXL2 are known to be pathogenic (PMID: 30237576, 31688942). This variant is not present in population databases (gnomAD no frequency). This variant has not been reported in the literature in individuals affected with DMXL2-related conditions. ClinVar contains an entry for this variant (Variation ID: 1916162). For these reasons, this variant has been classified as Pathogenic.

Literature cited by the submitters: PubMed 30237576 (cited by Labcorp Genetics (formerly Invitae), Labcorp); PubMed 31688942 (cited by Labcorp Genetics (formerly Invitae), Labcorp).